The following is an entry in ClinVar:

ClinVar aggregate classification (germline): Uncertain significance (1 of 4 stars; one submission).

gnomAD v4.1: 6 of 1,602,750 alleles (0.00037%); highest among the groups gnomAD compares: Admixed American, 0.01%; no homozygotes.

Submission:

Labcorp Genetics (formerly Invitae), Labcorp
Classification: Uncertain significance. Last evaluated: 2025-12-03. Review status: criteria provided, single submitter. Criteria: Invitae Variant Classification Sherloc (09022015). Collection method: clinical testing. Allele origin: germline.
Comment: This sequence change replaces glutamine, which is neutral and polar, with arginine, which is basic and polar, at codon 140 of the TNFRSF11A protein (p.Gln140Arg). This variant is present in population databases (rs200173184, gnomAD 0.02%). This variant has not been reported in the literature in individuals affected with TNFRSF11A-related conditions. ClinVar contains an entry for this variant (Variation ID: 3709309). Invitae Evidence Modeling of protein sequence and biophysical properties (such as structural, functional, and spatial information, amino acid conservation, physicochemical variation, residue mobility, and thermodynamic stability) indicates that this missense variant is not expected to disrupt TNFRSF11A protein function with a negative predictive value of 80%. In summary, the available evidence is currently insufficient to determine the role of this variant in disease. Therefore, it has been classified as a Variant of Uncertain Significance.

NM_003839.4(TNFRSF11A):c.419A>G (p.Gln140Arg)

Gene: TNFRSF11A (TNF receptor superfamily member 11a; plus strand). Cytogenetic location: 18q21.33.
Variant type: single nucleotide variant.
Coding change: c.419A>G on transcript NM_003839.4 (MANE Select); coding-DNA position 419, A replaced by G.
Protein change: p.Gln140Arg; replaces glutamine 140 with arginine.
Molecular consequence: missense variant.
Genome position (GRCh38, 1-based): chr18:62,354,526, A>G. VCF-style: chr18-62354526-A-G. GRCh37 (hg19) VCF-style: chr18-60021759-A-G.
Other names: c.419A>G, p.Gln140Arg (NM_001270949.2, NM_001270950.2, NM_001270951.2 and 1 more transcripts); short protein forms Q140R.
Identifiers: ClinVar variation 3709309 (VCV003709309.2).